The following is an entry in ClinVar:

NM_024426.6(WT1):c.655A>C (p.Asn219His)

Genes: WT1 (WT1 transcription factor; minus strand), LOC107982234 (WT1/WT1-AS bi-directional promoter region; plus strand). Cytogenetic location: 11p13.
Variant type: single nucleotide variant.
Coding change: c.655A>C on transcript NM_024426.6 (MANE Select); coding-DNA position 655, A replaced by C.
Protein change: p.Asn219His; replaces asparagine 219 with histidine.
Molecular consequence: missense variant. On other transcripts: non-coding transcript variant (1).
Genome position (GRCh38, 1-based): chr11:32,434,706, T>G on the plus strand (A>C on the coding strand, the complement: WT1 is on the minus strand). VCF-style: chr11-32434706-T-G. GRCh37 (hg19) VCF-style: chr11-32456252-T-G.
Other names: c.655A>C, p.Asn219His (NM_000378.6, NM_024424.5); short protein forms N219H.
Identifiers: ClinVar variation 1465231 (VCV001465231.8), dbSNP rs748435329, ClinGen allele CA065175.

ClinVar aggregate classification (germline): Uncertain significance (1 of 4 stars; one submission).

Conditions:
Frasier syndrome. Identifiers: Orphanet 347, MedGen C0950122, MeSH D052159, MONDO:0007635, OMIM 136680.
Wilms tumor 1 (WT1). Also called: Wilms tumor, somatic. Identifiers: Orphanet 654, MedGen CN033288, MONDO:0008679, OMIM 194070.
11p partial monosomy syndrome (WAGR). Also called: WAGR Complex; WAGR Spectrum Disorder; CHROMOSOME 11p13 DELETION SYNDROME; WAGR syndrome. Identifiers: Orphanet 893, MedGen C0206115, MONDO:0008681, OMIM 194072.
Drash syndrome (DDS). Also called: WILMS TUMOR AND PSEUDO- OR TRUE HERMAPHRODITISM; NEPHROPATHY, WILMS TUMOR, AND GENITAL ANOMALIES. Identifiers: Orphanet 220, MedGen C0950121, MONDO:0008682, OMIM 194080.

Allele frequency attached by ClinVar (database versions not stated): gnomAD exomes below 0.00001; ExAC 0.00001.

Submission:

Labcorp Genetics (formerly Invitae), Labcorp
Classification: Uncertain significance for Wilms tumor 1; Drash syndrome; 11p partial monosomy syndrome; Frasier syndrome. Last evaluated: 2021-03-24. Review status: criteria provided, single submitter. Criteria: Invitae Variant Classification Sherloc (09022015). Collection method: clinical testing. Allele origin: germline.
Comment: This sequence change replaces asparagine with histidine at codon 214 of the WT1 protein (p.Asn214His). The asparagine residue is highly conserved and there is a small physicochemical difference between asparagine and histidine. This variant is present in population databases (rs748435329, ExAC 0.01%). This variant has not been reported in the literature in individuals with WT1-related conditions. Algorithms developed to predict the effect of missense changes on protein structure and function (SIFT, PolyPhen-2, Align-GVGD) all suggest that this variant is likely to be disruptive, but these predictions have not been confirmed by published functional studies and their clinical significance is uncertain. In summary, the available evidence is currently insufficient to determine the role of this variant in disease. Therefore, it has been classified as a Variant of Uncertain Significance.